The following is an entry in ClinVar:

ClinVar aggregate classification (germline): Uncertain significance (1 of 4 stars; one submission).

Allele frequency attached by ClinVar (database versions not stated): gnomAD 0.00001; gnomAD exomes 0.00001; TOPMed 0.00001.
gnomAD v4.1: 17 of 1,614,094 alleles (0.0011%); highest among the groups gnomAD compares: Admixed American, 0.0017%; no homozygotes.

Submission:

GeneDx
Classification: Uncertain significance. Last evaluated: 2019-08-01. Review status: criteria provided, single submitter. Criteria: GeneDx Variant Classification Process June 2021. Collection method: clinical testing. Allele origin: germline. Affected: yes.
Comment: Has not been previously published as pathogenic or benign to our knowledge; Not observed at a significant frequency in large population cohorts (Lek et al., 2016); In silico analysis, which includes protein predictors and evolutionary conservation, supports that this variant does not alter protein structure/function

NM_013275.6(ANKRD11):c.4985C>T (p.Pro1662Leu)

Gene: ANKRD11 (ankyrin repeat domain containing 11; minus strand). Cytogenetic location: 16q24.3.
Variant type: single nucleotide variant.
Coding change: c.4985C>T on transcript NM_013275.6 (MANE Select); coding-DNA position 4985, C replaced by T.
Protein change: p.Pro1662Leu; replaces proline 1662 with leucine.
Molecular consequence: missense variant.
Genome position (GRCh38, 1-based): chr16:89,281,557, G>A on the plus strand (C>T on the coding strand, the complement: ANKRD11 is on the minus strand). VCF-style: chr16-89281557-G-A. GRCh37 (hg19) VCF-style: chr16-89347965-G-A.
Other names: c.4985C>T, p.Pro1662Leu (NM_001256182.2, NM_001256183.2); short protein forms P1662L.
Identifiers: ClinVar variation 1307425 (VCV001307425.2), dbSNP rs1379818944, ClinGen allele CA397156118.